The following is an entry in ClinVar:

NM_006767.4(LZTR1):c.1334T>A (p.Val445Glu)

Gene: LZTR1 (leucine zipper like post translational regulator 1; plus strand). Cytogenetic location: 22q11.21.
Variant type: single nucleotide variant.
Coding change: c.1334T>A on transcript NM_006767.4 (MANE Select); coding-DNA position 1334, T replaced by A.
Protein change: p.Val445Glu; replaces valine 445 with glutamic acid.
Molecular consequence: missense variant.
Genome position (GRCh38, 1-based): chr22:20,993,735, T>A. VCF-style: chr22-20993735-T-A. GRCh37 (hg19) VCF-style: chr22-21348024-T-A.
Other names: short protein forms V445E.
Identifiers: ClinVar variation 4999033 (VCV004999033.1).
Genomic context (GRCh38, chr22:20,993,735, plus strand): 5'-CTAAATGCACGCTGCACGAGGACTACGGGCGGCTGTGGGAGAGCCGCCAGTTCTGCGACG[T>A]GGAGTTCGTGCTGGGTGAGGTGGGTGCCTGTCCTCGCACCCTGCTCTGCCTGCTGTGCCT-3'
Protein context (NP_006758.2, residues 435-455): RLWESRQFCD[Val445Glu]EFVLGEKEEC

ClinVar aggregate classification (germline): Uncertain significance (1 of 4 stars; one submission).

Conditions:
LZTR1-related disorder. Also called: LZTR1-related disorders; LZTR1-related condition.

Submission:

PreventionGenetics, part of Exact Sciences
Classification: Uncertain significance for LZTR1-related condition. Last evaluated: 2025-05-19. Review status: criteria provided, single submitter. Criteria: ACMG Guidelines, 2015. Collection method: clinical testing. Allele origin: germline.
Comment: The LZTR1 c.1334T>A variant is predicted to result in the amino acid substitution p.Val445Glu. To our knowledge, this variant has not been reported in the literature or in a large population database (gnomAD), indicating this variant is rare. At this time, the clinical significance of this variant is uncertain due to the absence of conclusive functional and genetic evidence.